The following is an entry in ClinVar:

ClinVar aggregate classification (germline): Uncertain significance (1 of 4 stars; one submission).

Submission:

Labcorp Genetics (formerly Invitae), Labcorp
Classification: Uncertain significance. Last evaluated: 2023-12-28. Review status: criteria provided, single submitter. Criteria: Invitae Variant Classification Sherloc (09022015). Collection method: clinical testing. Allele origin: germline.
Comment: This sequence change creates a premature translational stop signal (p.Leu252Cysfs*7) in the EFNB1 gene. While this is not anticipated to result in nonsense mediated decay, it is expected to disrupt the last 95 amino acid(s) of the EFNB1 protein. This variant is not present in population databases (gnomAD no frequency). This variant has not been reported in the literature in individuals affected with EFNB1-related conditions. Experimental studies and prediction algorithms are not available or were not evaluated, and the functional significance of this variant is currently unknown. In summary, the available evidence is currently insufficient to determine the role of this variant in disease. Therefore, it has been classified as a Variant of Uncertain Significance.

NM_004429.5(EFNB1):c.754del (p.Leu252fs)

Gene: EFNB1 (ephrin B1; plus strand). Cytogenetic location: Xq13.1.
Variant type: Deletion.
Coding change: c.754del on transcript NM_004429.5 (MANE Select); coding-DNA position 754, one base deleted (C; older notation c.754delC).
Protein change: p.Leu252fs; shifts the reading frame from leucine 252.
Molecular consequence: frameshift variant.
Genome position (GRCh38, 1-based): chrX:68,840,367, C deleted; the last of 2 consecutive C bases (chrX:68,840,366-68,840,367); deleting either gives the same sequence. VCF-style (leftmost placement, unchanged base first): chrX-68840365-TC-T. GRCh37 (hg19) VCF-style: chrX-68060208-TC-T.
Other names: short protein forms L252fs.
Identifiers: ClinVar variation 2706178 (VCV002706178.3), dbSNP rs2519540103, ClinGen allele CA2697553135.